The following is an entry in ClinVar:

NM_198576.4(AGRN):c.2966C>T (p.Pro989Leu)

Gene: AGRN (agrin; plus strand). Cytogenetic location: 1p36.33.
Variant type: single nucleotide variant.
Coding change: c.2966C>T on transcript NM_198576.4 (MANE Select); coding-DNA position 2966, C replaced by T.
Protein change: p.Pro989Leu; replaces proline 989 with leucine.
Molecular consequence: missense variant.
Genome position (GRCh38, 1-based): chr1:1,046,451, C>T. VCF-style: chr1-1046451-C-T. GRCh37 (hg19) VCF-style: chr1-981831-C-T.
Other names: c.2966C>T, p.Pro989Leu (NM_001305275.2); c.2651C>T, p.Pro884Leu (NM_001364727.2); short protein forms P884L, P989L.
Identifiers: ClinVar variation 1006827 (VCV001006827.9), dbSNP rs1465399788, ClinGen allele CA337845297.

ClinVar aggregate classification (germline): Uncertain significance (1 of 4 stars; one submission).

Conditions:
Congenital myasthenic syndrome 8. Also called: MYASTHENIC SYNDROME, CONGENITAL, DUE TO AGRIN DEFICIENCY; Myasthenic syndrome, congenital, 8, with pre- and postsynaptic defects. Identifiers: Orphanet 590, MedGen C3808739, MONDO:0014052, OMIM 615120.

Allele frequency attached by ClinVar (database versions not stated): TOPMed below 0.00001; gnomAD 0.00001.
gnomAD v4.1: 1 of 1,612,340 alleles (0.000062%); highest among the groups gnomAD compares: Non-Finnish European, 0.000085%; no homozygotes.

Submission:

Labcorp Genetics (formerly Invitae), Labcorp
Classification: Uncertain significance for Congenital myasthenic syndrome 8. Last evaluated: 2020-01-15. Review status: criteria provided, single submitter. Criteria: Invitae Variant Classification Sherloc (09022015). Collection method: clinical testing. Allele origin: germline.
Comment: In summary, the available evidence is currently insufficient to determine the role of this variant in disease. Therefore, it has been classified as a Variant of Uncertain Significance. Algorithms developed to predict the effect of missense changes on protein structure and function output the following: SIFT: "Deleterious"; PolyPhen-2: "Possibly Damaging"; Align-GVGD: "Class C0". The leucine amino acid residue is found in multiple mammalian species, suggesting that this missense change does not adversely affect protein function. These predictions have not been confirmed by published functional studies and their clinical significance is uncertain. This variant has not been reported in the literature in individuals with AGRN-related conditions. This variant is not present in population databases (ExAC no frequency). This sequence change replaces proline with leucine at codon 989 of the AGRN protein (p.Pro989Leu). The proline residue is highly conserved and there is a moderate physicochemical difference between proline and leucine.